The following is an entry in ClinVar:

NM_002295.6(RPSA):c.774T>A (p.Pro258=)

Gene: RPSA (ribosomal protein SA; plus strand). Cytogenetic location: 3p22.1.
Variant type: single nucleotide variant.
Coding change: c.774T>A on transcript NM_002295.6 (MANE Select); coding-DNA position 774, T replaced by A.
Protein change: p.Pro258=; no amino-acid change (proline 258 retained).
Molecular consequence: synonymous variant.
Genome position (GRCh38, 1-based): chr3:39,412,042, T>A. VCF-style: chr3-39412042-T-A. GRCh37 (hg19) VCF-style: chr3-39453533-T-A.
Other names: c.789T>A, p.Pro263= (NM_001304288.2).
Identifiers: ClinVar variation 4084483 (VCV004084483.8).

ClinVar aggregate classification (germline): Likely benign (1 of 4 stars; one submission).

Submission:

CeGaT Center for Human Genetics Tuebingen
Classification: Likely benign. Last evaluated: 2024-08-01. Review status: criteria provided, single submitter. Criteria: CeGaT Center For Human Genetics Tuebingen Variant Classification Criteria Version 2. Collection method: clinical testing. Allele origin: germline. Affected: yes. Observed: 1 variant allele.
Comment: RPSA: PM2:Supporting, BP4, BP7